The following is an entry in ClinVar:

NM_004371.4(COPA):c.2504TTGACA[1] (p.835ID[1])

Gene: COPA (coat protein complex I subunit alpha; minus strand). Cytogenetic location: 1q23.2.
Variant type: Microsatellite.
Coding change: c.2504TTGACA[1] on transcript NM_004371.4 (MANE Select); one copy of the 6-base unit TTGACA starting at c.2504; the reference has two copies in a row; one copy, 6 bases deleted.
Protein change: p.835ID[1].
Molecular consequence: inframe deletion.
Genome position (GRCh38, 1-based): chr1:160,294,819-160,294,824, TGTCAA deleted on the plus strand (TTGACA on the coding strand, the reverse complement: COPA is on the minus strand); deleting any 6 consecutive bases within chr1:160,294,819-160,294,835 gives the same sequence; the position shown is the placement nearest the transcript's 3' end. VCF-style (leftmost placement, unchanged base first): chr1-160294818-GTGTCAA-G. GRCh37 (hg19) VCF-style: chr1-160264608-GTGTCAA-G.
Other names: c.2531TTGACA[1], p.844ID[1] (NM_001098398.2).
Identifiers: ClinVar variation 647302 (VCV000647302.8), dbSNP rs772631508, ClinGen allele CA1197864.

ClinVar aggregate classification (germline): Uncertain significance (1 of 4 stars; one submission).

Conditions:
Autoimmune interstitial lung disease-arthritis syndrome. Also called: Autoinflammation and autoimmunity, systemic, with immune dysregulation. Identifiers: Orphanet 444092, MedGen C5975714, MONDO:0014629.

Submission:

Labcorp Genetics (formerly Invitae), Labcorp
Classification: Uncertain significance for Autoimmune interstitial lung disease-arthritis syndrome. Last evaluated: 2025-11-19. Review status: criteria provided, single submitter. Criteria: Invitae Variant Classification Sherloc (09022015). Collection method: clinical testing. Allele origin: germline.
Comment: This variant, c.2510_2515del, results in the deletion of 2 amino acid(s) of the COPA protein (p.Ile837_Asp838del), but otherwise preserves the integrity of the reading frame. This variant is present in population databases (rs772631508, gnomAD 0.008%). This variant has not been reported in the literature in individuals affected with COPA-related conditions. ClinVar contains an entry for this variant (Variation ID: 647302). Experimental studies and prediction algorithms are not available or were not evaluated, and the functional significance of this variant is currently unknown. In summary, the available evidence is currently insufficient to determine the role of this variant in disease. Therefore, it has been classified as a Variant of Uncertain Significance.